The following is an entry in ClinVar:

NM_014384.3(ACAD8):c.290G>A (p.Gly97Glu)

Gene: ACAD8 (acyl-CoA dehydrogenase family member 8; plus strand). Cytogenetic location: 11q25.
Variant type: single nucleotide variant.
Coding change: c.290G>A on transcript NM_014384.3 (MANE Select); coding-DNA position 290, G replaced by A.
Protein change: p.Gly97Glu; replaces glycine 97 with glutamic acid.
Molecular consequence: missense variant.
Genome position (GRCh38, 1-based): chr11:134,257,167, G>A. VCF-style: chr11-134257167-G-A. GRCh37 (hg19) VCF-style: chr11-134127061-G-A.
Other names: short protein forms G97E.
Identifiers: ClinVar variation 1061082 (VCV001061082.9), dbSNP rs1433228446, ClinGen allele CA383513152.

ClinVar aggregate classification (germline): Uncertain significance (1 of 4 stars; one submission).

Conditions:
Deficiency of isobutyryl-CoA dehydrogenase. Also called: ACYL-CoA DEHYDROGENASE FAMILY, MEMBER 8, DEFICIENCY OF; IBD DEFICIENCY; ACAD8 DEFICIENCY. Identifiers: Orphanet 79159, MedGen C1969809, MONDO:0012648, OMIM 611283.

Allele frequency attached by ClinVar (database versions not stated): gnomAD exomes below 0.00001; gnomAD 0.00002 and 0.00003; TOPMed 0.00002.
gnomAD v4.1: 28 of 1,614,032 alleles (0.0017%); highest among the groups gnomAD compares: Non-Finnish European, 0.0023%; no homozygotes.

Submission:

Labcorp Genetics (formerly Invitae), Labcorp
Classification: Uncertain significance for Deficiency of isobutyryl-CoA dehydrogenase. Last evaluated: 2020-10-03. Review status: criteria provided, single submitter. Criteria: Invitae Variant Classification Sherloc (09022015). Collection method: clinical testing. Allele origin: germline.
Comment: In summary, the available evidence is currently insufficient to determine the role of this variant in disease. Therefore, it has been classified as a Variant of Uncertain Significance. Algorithms developed to predict the effect of missense changes on protein structure and function are either unavailable or do not agree on the potential impact of this missense change (SIFT: "Deleterious"; PolyPhen-2: "Probably Damaging"; Align-GVGD: "Class C0"). This variant has not been reported in the literature in individuals with ACAD8-related conditions. This variant is not present in population databases (ExAC no frequency). This sequence change replaces glycine with glutamic acid at codon 97 of the ACAD8 protein (p.Gly97Glu). The glycine residue is highly conserved and there is a moderate physicochemical difference between glycine and glutamic acid.